The following is an entry in ClinVar:

NM_022041.4(GAN):c.974-303C>T

Gene: GAN (gigaxonin; plus strand). Cytogenetic location: 16q23.2.
Variant type: single nucleotide variant.
Coding change: c.974-303C>T on transcript NM_022041.4 (MANE Select); 303 bases into the intron before coding-DNA position 974, C replaced by T.
Molecular consequence: intron variant.
Genome position (GRCh38, 1-based): chr16:81,362,196, C>T. VCF-style: chr16-81362196-C-T. GRCh37 (hg19) VCF-style: chr16-81395801-C-T.
Other names: c.335-303C>T (NM_001377486.1).
Identifiers: ClinVar variation 682666 (VCV000682666.1), dbSNP rs2608552, ClinGen allele CA284308536.

ClinVar aggregate classification (germline): Benign (1 of 4 stars; one submission).

Allele frequency attached by ClinVar (database versions not stated): gnomAD 0.89538 and 0.89697; TOPMed 0.90520; 1000 Genomes Project 30x 0.92224; 1000 Genomes Project 0.92412.
gnomAD v4.1: 136,388 of 152,112 alleles (90%); highest among the groups gnomAD compares: East Asian, 99%; 61,248 homozygotes.

Submission:

GeneDx
Classification: Benign. Last evaluated: 2018-06-19. Review status: criteria provided, single submitter. Criteria: GeneDx Variant Classification (06012015). Collection method: clinical testing. Allele origin: germline. Affected: yes.
Comment: This variant is considered likely benign or benign based on one or more of the following criteria: it is a conservative change, it occurs at a poorly conserved position in the protein, it is predicted to be benign by multiple in silico algorithms, and/or has population frequency not consistent with disease.